The following is an entry in ClinVar:

ClinVar aggregate classification (germline): Pathogenic. Review status: reviewed by expert panel (3 of 4 stars). 12 submissions from 11 submitters: Pathogenic (1). 11 of the submissions do not count toward it. Last evaluated 2025-12-05.

Conditions:
ABCA4-related retinopathy. Also called: ABCA4-related retinoapthy; ABCA4 retinoapthy. Identifiers: MedGen CN322612, MONDO:0800406.
ABCA4-related disorder. Also called: ABCA4-related condition; ABCA4-related disorders. Identifiers: MedGen CN239167.
Inborn genetic diseases. Identifiers: MedGen C0950123, MeSH D030342.
Retinal dystrophy. Also called: Inherited retinal dystrophy. Identifiers: Orphanet 71862, MedGen C0854723, MeSH D058499, MONDO:0019118, HP:0000556.
Cone-rod dystrophy 3 (CORD3). Identifiers: Orphanet 1872, MedGen C1858806, MONDO:0011395, OMIM 604116.
Severe early-childhood-onset retinal dystrophy (STGD1). Also called: MACULAR DYSTROPHY WITH FLECKS, TYPE 1; STGD; Stargardt macular dystrophy; Juvenile onset macular degeneration; Stargardt disease 1. Identifiers: Orphanet 364055, Orphanet 827, MedGen C1855465, MeSH D000080362, MONDO:0009549, OMIM 248200.

Allele frequency attached by ClinVar (database versions not stated): TOPMed 0.00001; gnomAD exomes 0.00002 and 0.00001; ExAC 0.00001; gnomAD 0.00001.
gnomAD v4.1: 24 of 1,613,738 alleles (0.0015%); highest among the groups gnomAD compares: Non-Finnish European, 0.0017%; no homozygotes.

Submissions (12):

ClinGen ABCA4 Variant Curation Expert Panel, Clingen
Classification: Pathogenic for ABCA4-related retinopathy. Last evaluated: 2025-12-05. Review status: reviewed by expert panel. Criteria: ClinGen ABCA4 ACMG Specifications V1.0.0. Collection method: curation. Allele origin: germline. Inheritance: Autosomal recessive inheritance.
Comment: The NM_000350.3:c.454C>T (p.Arg152Ter) variant in ABCA4 is a nonsense variant predicted to cause a premature stop codon in biologically relevant exon 5/50 leading to nonsense mediated decay in a gene in which loss-of-function is an established disease mechanism (PVS1). The total minor allele frequency in gnomAD v4.1.0 for this variant is 0.00001487 (24/1613738 alleles) which is lower than the ClinGen ABCA4 VCEP threshold of 0.0001 for disease in this gene (PM2_Supporting). The prevalence of the variant in affected individuals is significantly increased compared with the prevalence in controls with an OR of 255.5 and the CI is 83.60 to 1308.99, which is above the ABCA4 VCEP threshold of ≥5, where the CI does not contain 1 (PS4; PMID: 35120629). In summary, this variant meets the criteria to be classified as pathogenic for ABCA4-related retinopathy based on the ACMG/AMP criteria applied, as specified by the ClinGen ABCA4 VCEP (v1.0.0): PVS1, PS4, PM2_Supporting.

Ambry Genetics
Classification: Pathogenic for Inborn genetic diseases. Last evaluated: 2026-07-09. Review status: criteria provided, single submitter. Criteria: Ambry Variant Classification Scheme 2023. Collection method: clinical testing. Allele origin: germline. Not counted in ClinVar's aggregate classification.
Comment: The c.454C>T (p.R152*) alteration, located in exon 5 (coding exon 5) of the ABCA4 gene, consists of a C to T substitution at nucleotide position 454. This changes the amino acid from a arginine (R) to a stop codon at amino acid position 152. This variant is expected to result in loss of function by premature protein truncation or nonsense-mediated mRNA decay. Based on data from gnomAD, the T allele has an overall frequency of 0.002% (4/251172) total alleles studied. The highest observed frequency was 0.004% (4/113530) of European (non-Finnish) alleles. This variant has been identified in the homozygous state and/or in conjunction with other ABCA4 variant(s) in individual(s) with features consistent with ABCA4-related retinal dystrophy (Cideciyan, 2009; Heathfield, 2013; cieyska, 2016; Cornelis, 2022; Lin, 2024). Based on the available evidence, this alteration is classified as pathogenic.

Labcorp Genetics (formerly Invitae), Labcorp
Classification: Pathogenic. Last evaluated: 2025-11-13. Review status: criteria provided, single submitter. Criteria: Invitae Variant Classification Sherloc (09022015). Collection method: clinical testing. Allele origin: germline. Not counted in ClinVar's aggregate classification.
Comment: This sequence change creates a premature translational stop signal (p.Arg152*) in the ABCA4 gene. It is expected to result in an absent or disrupted protein product. Loss-of-function variants in ABCA4 are known to be pathogenic (PMID: 10958761, 24938718, 25312043, 26780318). This variant is present in population databases (rs62646861, gnomAD 0.004%). This premature translational stop signal has been observed in individual(s) with Stargardt disease (PMID: 19074458, 23695285). ClinVar contains an entry for this variant (Variation ID: 99300). For these reasons, this variant has been classified as Pathogenic.

GeneDx
Classification: Pathogenic. Last evaluated: 2024-03-21. Review status: criteria provided, single submitter. Criteria: GeneDx Variant Classification Process June 2021. Collection method: clinical testing. Allele origin: germline. Affected: yes. Not counted in ClinVar's aggregate classification.
Comment: Frequently reported together with p.(V2050L) on the same allele (in cis) representing a complex allele [p.(R152*); p.(V2050L)] in individuals of central European ancestry (PMID: 26593885); Nonsense variant predicted to result in protein truncation or nonsense mediated decay in a gene for which loss-of-function is a known mechanism of disease; Not observed at significant frequency in large population cohorts (gnomAD); This variant is associated with the following publications: (PMID: 25525159, 26047050, 32619608, 31429209, 33301772, 19074458, 22328824, 29555955, 28118664, 10509673, 29925512, 30653986, 10486215, 35119454, 23695285, 26593885)

CeGaT Center for Human Genetics Tuebingen
Classification: Pathogenic. Last evaluated: 2024-01-01. Review status: criteria provided, single submitter. Criteria: CeGaT Center For Human Genetics Tuebingen Variant Classification Criteria Version 2. Collection method: clinical testing. Allele origin: germline. Affected: yes. Observed: 2 variant alleles. Not counted in ClinVar's aggregate classification.
Comment: ABCA4: PM3:Very Strong, PVS1, PM2

Blueprint Genetics
Classification: Pathogenic for ABCA4-related disorders. Last evaluated: 2022-11-17. Review status: criteria provided, single submitter. Criteria: ACMG Guidelines, 2015. Collection method: clinical testing. Allele origin: germline. Affected: yes. Observed: 5 variant alleles. Not counted in ClinVar's aggregate classification.

Genetics and Molecular Pathology, SA Pathology
Classification: Pathogenic for Cone-rod dystrophy 3. Last evaluated: 2021-12-29. Review status: criteria provided, single submitter. Criteria: ACMG Guidelines, 2015. Collection method: clinical testing. Allele origin: germline. Affected: yes. Not counted in ClinVar's aggregate classification.

Institute of Medical Molecular Genetics, University of Zurich
Classification: Likely pathogenic for Severe early-childhood-onset retinal dystrophy. Last evaluated: 2021-01-30. Review status: criteria provided, single submitter. Criteria: ACMG Guidelines, 2015. Collection method: clinical testing. Allele origin: germline. Affected: yes. Not counted in ClinVar's aggregate classification.

Institute of Medical Genetics and Applied Genomics, University Hospital Tübingen
Classification: Pathogenic. Last evaluated: 2020-10-23. Review status: criteria provided, single submitter. Criteria: ACMG Guidelines, 2015. Collection method: clinical testing. Allele origin: germline. Inheritance: Autosomal recessive inheritance. Affected: yes. Not counted in ClinVar's aggregate classification.

Institute of Human Genetics, Univ. Regensburg, Univ. Regensburg
Classification: Pathogenic for Retinal dystrophy. Last evaluated: 2017-01-01. Review status: criteria provided, single submitter. Criteria: ACMG Guidelines, 2015. Collection method: clinical testing. Allele origin: germline. Affected: yes. Not counted in ClinVar's aggregate classification.

Institute of Human Genetics, Univ. Regensburg, Univ. Regensburg
Classification: Pathogenic for Severe early-childhood-onset retinal dystrophy. Last evaluated: 2016-01-01. Review status: criteria provided, single submitter. Criteria: Schulz et al. (Invest Ophthalmol Vis Sci. 2017). Collection method: clinical testing. Allele origin: germline. Affected: yes. Observed: 1 heterozygote. Not counted in ClinVar's aggregate classification.

Retina International
No classification provided. Review status: no classification provided. Collection method: not provided. Allele origin: not provided. Not counted in ClinVar's aggregate classification.

Literature cited by the submitters: PubMed 19074458 (cited by 3 submitters); PubMed 23695285 (cited by 3 submitters); PubMed 26593885 (cited by Ambry Genetics and Institute of Human Genetics, Univ. Regensburg, Univ. Regensburg); PubMed 35120629 (cited by Ambry Genetics); PubMed 38219857 (cited by Ambry Genetics); PubMed 10958761 (cited by Labcorp Genetics (formerly Invitae), Labcorp); PubMed 24938718 (cited by Labcorp Genetics (formerly Invitae), Labcorp); PubMed 25312043 (cited by Labcorp Genetics (formerly Invitae), Labcorp); PubMed 26780318 (cited by Labcorp Genetics (formerly Invitae), Labcorp); PubMed 10509673 (cited by Institute of Human Genetics, Univ. Regensburg, Univ. Regensburg); PubMed 10486215 (cited by Institute of Human Genetics, Univ. Regensburg, Univ. Regensburg); PubMed 22328824 (cited by Institute of Human Genetics, Univ. Regensburg, Univ. Regensburg); PubMed 26047050 (cited by Institute of Human Genetics, Univ. Regensburg, Univ. Regensburg); PubMed 25525159 (cited by Institute of Human Genetics, Univ. Regensburg, Univ. Regensburg); PubMed 28118664 (cited by Institute of Human Genetics, Univ. Regensburg, Univ. Regensburg); PubMed 29555955 (cited by Institute of Human Genetics, Univ. Regensburg, Univ. Regensburg); PubMed 29925512 (cited by Institute of Human Genetics, Univ. Regensburg, Univ. Regensburg); PubMed 30653986 (cited by Institute of Human Genetics, Univ. Regensburg, Univ. Regensburg); PubMed 32619608 (cited by Institute of Human Genetics, Univ. Regensburg, Univ. Regensburg); PubMed 31964843 (cited by Institute of Human Genetics, Univ. Regensburg, Univ. Regensburg); PubMed 31429209 (cited by Institute of Human Genetics, Univ. Regensburg, Univ. Regensburg); PubMed 31980526 (cited by Institute of Human Genetics, Univ. Regensburg, Univ. Regensburg); PubMed 32307445 (cited by Institute of Human Genetics, Univ. Regensburg, Univ. Regensburg); PubMed 33301772 (cited by Institute of Human Genetics, Univ. Regensburg, Univ. Regensburg); PubMed 35119454 (cited by Institute of Human Genetics, Univ. Regensburg, Univ. Regensburg).

NM_000350.3(ABCA4):c.454C>T (p.Arg152Ter)

Gene: ABCA4 (ATP binding cassette subfamily A member 4; minus strand). Cytogenetic location: 1p22.1.
Variant type: single nucleotide variant.
Coding change: c.454C>T on transcript NM_000350.3 (MANE Select); coding-DNA position 454, C replaced by T.
Protein change: p.Arg152Ter; replaces arginine 152 with a stop codon.
Molecular consequence: nonsense.
Genome position (GRCh38, 1-based): chr1:94,103,131, G>A on the plus strand (C>T on the coding strand, the complement: ABCA4 is on the minus strand). VCF-style: chr1-94103131-G-A. GRCh37 (hg19) VCF-style: chr1-94568687-G-A.
Other names: NM_000350.3(ABCA4):c.454C>T; p.Arg152Ter; c.454C>T, p.Arg152Ter (NM_001425324.1); short protein forms R152*.
Identifiers: ClinVar variation 99300 (VCV000099300.41), dbSNP rs62646861, ClinGen allele CA227213.